The following is an entry in ClinVar:

NC_000002.12:g.158826495AT[13]

Gene: DAPL1 (death associated protein like 1; plus strand). Cytogenetic location: 2q24.1.
Variant type: Microsatellite.
Genome position: GRCh38 VCF-style: chr2-158826494-C-CATATATATAT. GRCh37 (hg19) VCF-style: chr2-159683006-C-CATATATATAT.
Identifiers: ClinVar variation 2651448 (VCV002651448.24), dbSNP rs750057852, ClinGen allele CA1038365702.

ClinVar aggregate classification (germline): Likely benign (1 of 4 stars; one submission).

Submission:

CeGaT Center for Human Genetics Tuebingen
Classification: Likely benign. Last evaluated: 2022-12-01. Review status: criteria provided, single submitter. Criteria: CeGaT Center For Human Genetics Tuebingen Variant Classification Criteria Version 2. Collection method: clinical testing. Allele origin: germline. Affected: yes. Observed: 1 variant allele.
Comment: DAPL1: BS2